The following is an entry in ClinVar:

ClinVar aggregate classification (germline): Benign. Review status: criteria provided, multiple submitters, no conflicts (2 of 4 stars). 3 submissions from 2 submitters: Benign (3). Last evaluated 2018-01-12.

Conditions:
Sacral defect with anterior meningocele. Identifiers: MedGen C1838568, OMIM 600145.
Neural tube defect (NTD). Also called: Neural tube defects. Identifiers: Orphanet 3388, Orphanet 823, MedGen C0027794, MONDO:0018075, HP:0045005.

Allele frequency attached by ClinVar (database versions not stated): gnomAD exomes 0.23938; gnomAD 0.25318 and 0.25363; TOPMed 0.25886; 1000 Genomes Project 30x 0.26843; 1000 Genomes Project 0.27037.

Submissions (3):

Illumina Laboratory Services, Illumina
Classification: Benign for Sacral defect with anterior meningocele. Last evaluated: 2018-01-12. Review status: criteria provided, single submitter. Criteria: ICSL Variant Classification Criteria 13 December 2019. Collection method: clinical testing. Allele origin: germline.
Comment: This variant was observed in the ICSL laboratory as part of a predisposition screen in an ostensibly healthy population. It had not been previously curated by ICSL or reported in the Human Gene Mutation Database (HGMD: prior to June 1st, 2018), and was therefore a candidate for classification through an automated scoring system. Utilizing variant allele frequency, disease prevalence and penetrance estimates, and inheritance mode, an automated score was calculated to assess if this variant is too frequent to cause the disease. Based on the score and internal cut-off values, a variant classified as benign is not then subjected to further curation. The score for this variant resulted in a classification of benign for this disease.

Illumina Laboratory Services, Illumina
Classification: Benign for Neural tube defects, susceptibility to. Last evaluated: 2018-01-12. Review status: criteria provided, single submitter. Criteria: ICSL Variant Classification Criteria 13 December 2019. Collection method: clinical testing. Allele origin: germline.
Comment: the same text as in the submission from Illumina Laboratory Services, Illumina above.

Breakthrough Genomics
Classification: Benign. Review status: criteria provided, single submitter. Criteria: ACMG Guidelines, 2015. Collection method: not provided. Allele origin: germline. Inheritance: Autosomal dominant inheritance. Affected: yes.

NM_138959.3(VANGL1):c.*1277C>T

Gene: VANGL1 (VANGL planar cell polarity protein 1; plus strand). Cytogenetic location: 1p13.1.
Variant type: single nucleotide variant.
Coding change: c.*1277C>T on transcript NM_138959.3 (MANE Select); 1277 bases downstream of the stop codon, C replaced by T.
Molecular consequence: 3 prime UTR variant.
Genome position (GRCh38, 1-based): chr1:115,692,656, C>T. VCF-style: chr1-115692656-C-T. GRCh37 (hg19) VCF-style: chr1-116235277-C-T.
Other names: c.*1277C>T (NM_001172411.2, NM_001172412.2).
Identifiers: ClinVar variation 292035 (VCV000292035.6), dbSNP rs3204955, ClinGen allele CA10607656.